The following is an entry in ClinVar:

NM_001184.4(ATR):c.3611A>T (p.Asp1204Val)

Gene: ATR (ATR checkpoint kinase; minus strand). Cytogenetic location: 3q23.
Variant type: single nucleotide variant.
Coding change: c.3611A>T on transcript NM_001184.4 (MANE Select); coding-DNA position 3611, A replaced by T.
Protein change: p.Asp1204Val; replaces aspartic acid 1204 with valine.
Molecular consequence: missense variant.
Genome position (GRCh38, 1-based): chr3:142,538,596, T>A on the plus strand (A>T on the coding strand, the complement: ATR is on the minus strand). VCF-style: chr3-142538596-T-A. GRCh37 (hg19) VCF-style: chr3-142257438-T-A.
Other names: c.3419A>T, p.Asp1140Val (NM_001354579.2); short protein forms D1140V, D1204V.
Identifiers: ClinVar variation 1482672 (VCV001482672.8), dbSNP rs749952876, ClinGen allele CA2650049.

ClinVar aggregate classification (germline): Uncertain significance (1 of 4 stars; one submission).

Allele frequency attached by ClinVar (database versions not stated): ExAC 0.00001.
gnomAD v4.1: 1 of 1,613,482 alleles (0.000062%); highest among the groups gnomAD compares: South Asian, 0.0011%; no homozygotes.

Submission:

Labcorp Genetics (formerly Invitae), Labcorp
Classification: Uncertain significance. Last evaluated: 2022-07-19. Review status: criteria provided, single submitter. Criteria: Invitae Variant Classification Sherloc (09022015). Collection method: clinical testing. Allele origin: germline.
Comment: This variant is present in population databases (rs749952876, gnomAD 0.003%). This sequence change replaces aspartic acid, which is acidic and polar, with valine, which is neutral and non-polar, at codon 1204 of the ATR protein (p.Asp1204Val). This variant has not been reported in the literature in individuals affected with ATR-related conditions. In summary, the available evidence is currently insufficient to determine the role of this variant in disease. Therefore, it has been classified as a Variant of Uncertain Significance. Algorithms developed to predict the effect of missense changes on protein structure and function (SIFT, PolyPhen-2, Align-GVGD) all suggest that this variant is likely to be disruptive. ClinVar contains an entry for this variant (Variation ID: 1482672).